The following is an entry in ClinVar:

NM_014629.4(ARHGEF10):c.134A>C (p.Gln45Pro)

Gene: ARHGEF10 (Rho guanine nucleotide exchange factor 10; plus strand). Cytogenetic location: 8p23.3.
Variant type: single nucleotide variant.
Coding change: c.134A>C on transcript NM_014629.4 (MANE Select); coding-DNA position 134, A replaced by C.
Protein change: p.Gln45Pro; replaces glutamine 45 with proline.
Molecular consequence: missense variant.
Genome position (GRCh38, 1-based): chr8:1,858,056, A>C. VCF-style: chr8-1858056-A-C. GRCh37 (hg19) VCF-style: chr8-1806222-A-C.
Other names: c.134A>C, p.Gln45Pro (NM_001308152.2, NM_001308153.3, NM_001438091.1 and 3 more transcripts); short protein forms Q69P, Q45P.
Identifiers: ClinVar variation 4738079 (VCV004738079.1).

ClinVar aggregate classification (germline): Uncertain significance (1 of 4 stars; one submission).

Submission:

Labcorp Genetics (formerly Invitae), Labcorp
Classification: Uncertain significance. Last evaluated: 2025-05-13. Review status: criteria provided, single submitter. Criteria: Invitae Variant Classification Sherloc (09022015). Collection method: clinical testing. Allele origin: germline.
Comment: This sequence change replaces glutamine, which is neutral and polar, with proline, which is neutral and non-polar, at codon 45 of the ARHGEF10 protein (p.Gln45Pro). This variant is present in population databases (rs548405211, gnomAD 0.006%). This variant has not been reported in the literature in individuals affected with ARHGEF10-related conditions. An algorithm developed to predict the effect of missense changes on protein structure and function (PolyPhen-2) suggests that this variant is likely to be tolerated. In summary, the available evidence is currently insufficient to determine the role of this variant in disease. Therefore, it has been classified as a Variant of Uncertain Significance.